The following is an entry in ClinVar:

ClinVar aggregate classification (germline): Uncertain significance. Review status: criteria provided, multiple submitters, no conflicts (2 of 4 stars). 3 submissions from 3 submitters: Uncertain significance (3). Last evaluated 2025-11-05.

Conditions:
Hyperaldosteronism, familial, type IV (HALD4). Also called: FH IV; ALDOSTERONISM, PRIMARY, AND HYPERTENSION. Identifiers: Orphanet 642671, MedGen C4310756, MONDO:0014875, OMIM 617027.
Idiopathic generalized epilepsy. Also called: EIG; Generalised epilepsy. Identifiers: MedGen C0270850, MONDO:0005579, OMIM 600669.
Epilepsy, childhood absence, susceptibility to, 6. Identifiers: Orphanet 64280, MedGen C2749872, MONDO:0012763, OMIM 611942.
Inborn genetic diseases. Identifiers: MedGen C0950123, MeSH D030342.

Allele frequency attached by ClinVar (database versions not stated): gnomAD exomes 0.00002 and 0.00005; ExAC 0.00005; TOPMed 0.00015; 1000 Genomes Project 30x 0.00016; gnomAD 0.00018 and 0.00019; 1000 Genomes Project 0.00020.
gnomAD v4.1: 56 of 1,597,236 alleles (0.0035%); highest among the groups gnomAD compares: African/African-American, 0.064%; no homozygotes.

Submissions (3):

Labcorp Genetics (formerly Invitae), Labcorp
Classification: Uncertain significance for Idiopathic generalized epilepsy; Hyperaldosteronism, familial, type IV. Last evaluated: 2025-11-05. Review status: criteria provided, single submitter. Criteria: Invitae Variant Classification Sherloc (09022015). Collection method: clinical testing. Allele origin: germline.
Comment: This sequence change replaces aspartic acid, which is acidic and polar, with asparagine, which is neutral and polar, at codon 1248 of the CACNA1H protein (p.Asp1248Asn). This variant is present in population databases (rs552269381, gnomAD 0.07%), and has an allele count higher than expected for a pathogenic variant. This variant has not been reported in the literature in individuals affected with CACNA1H-related conditions. ClinVar contains an entry for this variant (Variation ID: 460097). An algorithm developed to predict the effect of missense changes on protein structure and function (PolyPhen-2) suggests that this variant is likely to be tolerated. In summary, the available evidence is currently insufficient to determine the role of this variant in disease. Therefore, it has been classified as a Variant of Uncertain Significance.

Ambry Genetics
Classification: Uncertain significance for Inborn genetic diseases. Last evaluated: 2025-04-03. Review status: criteria provided, single submitter. Criteria: Ambry Variant Classification Scheme 2023. Collection method: clinical testing. Allele origin: germline.

Fulgent Genetics
Classification: Uncertain significance for Epilepsy, childhood absence, susceptibility to, 6; Hyperaldosteronism, familial, type IV. Last evaluated: 2022-04-13. Review status: criteria provided, single submitter. Criteria: ACMG Guidelines, 2015. Collection method: clinical testing. Allele origin: unknown.

NM_021098.3(CACNA1H):c.3742G>A (p.Asp1248Asn)

Gene: CACNA1H (calcium voltage-gated channel subunit alpha1 H; plus strand). Cytogenetic location: 16p13.3.
Variant type: single nucleotide variant.
Coding change: c.3742G>A on transcript NM_021098.3 (MANE Select); coding-DNA position 3742, G replaced by A.
Protein change: p.Asp1248Asn; replaces aspartic acid 1248 with asparagine.
Molecular consequence: missense variant.
Genome position (GRCh38, 1-based): chr16:1,209,410, G>A. VCF-style: chr16-1209410-G-A. GRCh37 (hg19) VCF-style: chr16-1259410-G-A.
Other names: c.3742G>A, p.Asp1248Asn (NM_001005407.2); short protein forms D1248N.
Identifiers: ClinVar variation 460097 (VCV000460097.14), dbSNP rs552269381, ClinGen allele CA7800879.
Genomic context (GRCh38, chr16:1,209,410, plus strand): 5'-TTCTTCCTGCGCATCGACAGCCACCGTGAGGATGCAGCCGAGCTTGACGACGACTCGGAG[G>A]ACGTGAGTGCGTGGCCCTGGGCCCACCGCCGACTCGCCTTCGTCTGTCTGGGGCAGGTTC-3'
Protein context (NP_066921.2, residues 1238-1258): DAAELDDDSE[Asp1248Asn]SCCLRLHKVL